The following is an entry in ClinVar:

NM_001371928.1(AHDC1):c.4646C>A (p.Ser1549Tyr)

Gene: AHDC1 (AT-hook DNA binding motif containing 1; minus strand). Cytogenetic location: 1p36.11.
Variant type: single nucleotide variant.
Coding change: c.4646C>A on transcript NM_001371928.1 (MANE Select); coding-DNA position 4646, C replaced by A.
Protein change: p.Ser1549Tyr; replaces serine 1549 with tyrosine.
Molecular consequence: missense variant.
Genome position (GRCh38, 1-based): chr1:27,547,470, G>T on the plus strand (C>A on the coding strand, the complement: AHDC1 is on the minus strand). VCF-style: chr1-27547470-G-T. GRCh37 (hg19) VCF-style: chr1-27873981-G-T.
Other names: c.4646C>A, p.Ser1549Tyr (NM_001029882.3); c.602C>A, p.Ser201Tyr (NM_015699.1); short protein forms S1549Y, S201Y.
Identifiers: ClinVar variation 2186011 (VCV002186011.4), dbSNP rs369828844, ClinGen allele CA715314.
Genomic context (GRCh38, chr1:27,547,470, plus strand): 5'-AAGCCTGGGTACCTGTAGGCGGTGTCCTGCAGGGGCAGCAGCGAGTCCCTCGGCACGGGG[G>T]ACAGGGTCAAGTCACTAAGGAGTGGGCAGCCATAGCCAGCAGCGGCTGCAGCAGGGCCAC-3'
Protein context (NP_001358857.1, residues 1539-1559): GCPLLSDLTL[Ser1549Tyr]PVPRDSLLPL

ClinVar aggregate classification (germline): Uncertain significance (1 of 4 stars; one submission).

Allele frequency attached by ClinVar (database versions not stated): TOPMed 0.00003; gnomAD 0.00004; gnomAD exomes 0.00004.
gnomAD v4.1: 70 of 1,598,376 alleles (0.0044%); highest among the groups gnomAD compares: Non-Finnish European, 0.0052%; no homozygotes.

Submission:

Labcorp Genetics (formerly Invitae), Labcorp
Classification: Uncertain significance. Last evaluated: 2022-10-23. Review status: criteria provided, single submitter. Criteria: Invitae Variant Classification Sherloc (09022015). Collection method: clinical testing. Allele origin: germline.
Comment: Algorithms developed to predict the effect of missense changes on protein structure and function are either unavailable or do not agree on the potential impact of this missense change (SIFT: "Deleterious"; PolyPhen-2: "Possibly Damaging"; Align-GVGD: "Class C15"). This variant has not been reported in the literature in individuals affected with AHDC1-related conditions. This variant is present in population databases (rs369828844, gnomAD 0.02%). This sequence change replaces serine, which is neutral and polar, with tyrosine, which is neutral and polar, at codon 1549 of the AHDC1 protein (p.Ser1549Tyr). In summary, the available evidence is currently insufficient to determine the role of this variant in disease. Therefore, it has been classified as a Variant of Uncertain Significance.